The following is an entry in ClinVar:

ClinVar aggregate classification (germline): Uncertain significance. Review status: criteria provided, multiple submitters, no conflicts (2 of 4 stars). 2 submissions from 2 submitters: Uncertain significance (2). Last evaluated 2025-12-21.

Conditions:
Inborn genetic diseases. Identifiers: MedGen C0950123, MeSH D030342.

Allele frequency attached by ClinVar (database versions not stated): gnomAD 0.00005; TOPMed 0.00014; ESP Exome Variant Server 0.00032.
gnomAD v4.1: 77 of 1,614,140 alleles (0.0048%); highest among the groups gnomAD compares: Middle Eastern, 0.066%; no homozygotes.

Submissions (2):

Labcorp Genetics (formerly Invitae), Labcorp
Classification: Uncertain significance. Last evaluated: 2025-12-21. Review status: criteria provided, single submitter. Criteria: Invitae Variant Classification Sherloc (09022015). Collection method: clinical testing. Allele origin: germline.
Comment: This sequence change replaces proline, which is neutral and non-polar, with threonine, which is neutral and polar, at codon 2091 of the GPR179 protein (p.Pro2091Thr). This variant is present in population databases (rs200125665, gnomAD 0.03%). This variant has not been reported in the literature in individuals affected with GPR179-related conditions. ClinVar contains an entry for this variant (Variation ID: 1491182). An algorithm developed to predict the effect of missense changes on protein structure and function outputs the following: PolyPhen-2: "Benign". The threonine amino acid residue is found in multiple mammalian species, which suggests that this missense change does not adversely affect protein function. In summary, the available evidence is currently insufficient to determine the role of this variant in disease. Therefore, it has been classified as a Variant of Uncertain Significance.

Ambry Genetics
Classification: Uncertain significance for Inborn genetic diseases. Last evaluated: 2024-08-25. Review status: criteria provided, single submitter. Criteria: Ambry Variant Classification Scheme 2023. Collection method: clinical testing. Allele origin: germline.

NM_001004334.4(GPR179):c.6271C>A (p.Pro2091Thr)

Gene: GPR179 (G protein-coupled receptor 179; minus strand). Cytogenetic location: 17q12.
Variant type: single nucleotide variant.
Coding change: c.6271C>A on transcript NM_001004334.4 (MANE Select); coding-DNA position 6271, C replaced by A.
Protein change: p.Pro2091Thr; replaces proline 2091 with threonine.
Molecular consequence: missense variant.
Genome position (GRCh38, 1-based): chr17:38,327,298, G>T on the plus strand (C>A on the coding strand, the complement: GPR179 is on the minus strand). VCF-style: chr17-38327298-G-T. GRCh37 (hg19) VCF-style: chr17-36483181-G-T.
Other names: c.6271C>A (NM_001004334.2); short protein forms P2091T.
Identifiers: ClinVar variation 1491182 (VCV001491182.9), dbSNP rs200125665, ClinGen allele CA290103049.